The following is an entry in ClinVar:

NM_003126.4(SPTA1):c.6514T>C (p.Trp2172Arg)

Gene: SPTA1 (spectrin alpha, erythrocytic 1; minus strand). Cytogenetic location: 1q23.1.
Variant type: single nucleotide variant.
Coding change: c.6514T>C on transcript NM_003126.4 (MANE Select); coding-DNA position 6514, T replaced by C.
Protein change: p.Trp2172Arg; replaces tryptophan 2172 with arginine.
Molecular consequence: missense variant.
Genome position (GRCh38, 1-based): chr1:158,619,238, A>G on the plus strand (T>C on the coding strand, the complement: SPTA1 is on the minus strand). VCF-style: chr1-158619238-A-G. GRCh37 (hg19) VCF-style: chr1-158589028-A-G.
Other names: short protein forms W2172R.
Identifiers: ClinVar variation 3603252 (VCV003603252.1).
Genomic context (GRCh38, chr1:158,619,238, plus strand): 5'-GGTGGTGGCACAGGGGTCATGGTTTGGGATGTAGCATAGCACACCTGGTTTCCAGGATCC[A>G]TTGAAGGAAGGTACTGGCATTCTGTTCAAACTCCTGACACATCTCAAAGTTCTTGACCTG-3'
Protein context (NP_003117.2, residues 2162-2182): FEQNASTFLQ[Trp2172Arg]ILETRAYFLD

ClinVar aggregate classification (germline): Uncertain significance (1 of 4 stars; one submission).

gnomAD v4.1: 2 of 1,614,094 alleles (0.00012%); highest among the groups gnomAD compares: Non-Finnish European, 0.00017%; no homozygotes.

Submission:

GeneDx
Classification: Uncertain significance. Last evaluated: 2024-08-07. Review status: criteria provided, single submitter. Criteria: GeneDx Variant Classification Process June 2021. Collection method: clinical testing. Allele origin: germline. Affected: yes.
Comment: Not observed at significant frequency in large population cohorts (gnomAD); In silico analysis supports that this missense variant has a deleterious effect on protein structure/function; Has not been previously published as pathogenic or benign to our knowledge